The following is an entry in ClinVar:

ClinVar aggregate classification (germline): Uncertain significance. Review status: criteria provided, multiple submitters, no conflicts (2 of 4 stars). 2 submissions from 2 submitters: Uncertain significance (2). Last evaluated 2023-10-03.

Conditions:
Epileptic encephalopathy. Identifiers: MedGen C0543888, HP:0200134.

Allele frequency attached by ClinVar (database versions not stated): gnomAD 0.00003; TOPMed 0.00011; gnomAD exomes 0.00014; ESP Exome Variant Server 0.00016; ExAC 0.00017.
gnomAD v4.1: 230 of 1,613,692 alleles (0.014%); highest among the groups gnomAD compares: Non-Finnish European, 0.018%; no homozygotes.

Submissions (2):

Labcorp Genetics (formerly Invitae), Labcorp
Classification: Uncertain significance for Epileptic encephalopathy. Last evaluated: 2023-10-03. Review status: criteria provided, single submitter. Criteria: Invitae Variant Classification Sherloc (09022015). Collection method: clinical testing. Allele origin: germline.
Comment: This sequence change replaces glycine, which is neutral and non-polar, with arginine, which is basic and polar, at codon 649 of the RYR3 protein (p.Gly649Arg). This variant is present in population databases (rs368209451, gnomAD 0.02%). This variant has not been reported in the literature in individuals affected with RYR3-related conditions. ClinVar contains an entry for this variant (Variation ID: 531026). An algorithm developed to predict the effect of missense changes on protein structure and function (PolyPhen-2) suggests that this variant is likely to be disruptive. In summary, the available evidence is currently insufficient to determine the role of this variant in disease. Therefore, it has been classified as a Variant of Uncertain Significance.

CeGaT Center for Human Genetics Tuebingen
Classification: Uncertain significance. Last evaluated: 2023-10-01. Review status: criteria provided, single submitter. Criteria: CeGaT Center For Human Genetics Tuebingen Variant Classification Criteria Version 2. Collection method: clinical testing. Allele origin: germline. Affected: yes. Observed: 1 variant allele.
Comment: RYR3: PP3

NM_001036.6(RYR3):c.1945G>C (p.Gly649Arg)

Gene: RYR3 (ryanodine receptor 3; plus strand). Cytogenetic location: 15q14.
Variant type: single nucleotide variant.
Coding change: c.1945G>C on transcript NM_001036.6 (MANE Select); coding-DNA position 1945, G replaced by C.
Protein change: p.Gly649Arg; replaces glycine 649 with arginine.
Molecular consequence: missense variant.
Genome position (GRCh38, 1-based): chr15:33,603,145, G>C. VCF-style: chr15-33603145-G-C. GRCh37 (hg19) VCF-style: chr15-33895346-G-C.
Other names: c.1945G>C, p.Gly649Arg (NM_001243996.4); short protein forms G649R.
Identifiers: ClinVar variation 531026 (VCV000531026.30), dbSNP rs368209451, ClinGen allele CA7458301.